The following is an entry in ClinVar:

ClinVar aggregate classification (germline): Uncertain significance. Review status: criteria provided, multiple submitters, no conflicts (2 of 4 stars). 2 submissions from 2 submitters: Uncertain significance (2). Last evaluated 2025-08-19.

Conditions:
Nemaline myopathy 2 (NEM2). Also called: Nemaline myopathy 2, autosomal recessive. Identifiers: MedGen C1850569, MONDO:0009725, OMIM 256030.
Inborn genetic diseases. Identifiers: MedGen C0950123, MeSH D030342.

Allele frequency attached by ClinVar (database versions not stated): TOPMed below 0.00001; gnomAD exomes 0.00001.
gnomAD v4.1: 14 of 1,609,396 alleles (0.00087%); highest among the groups gnomAD compares: East Asian, 0.0022%; no homozygotes.

Submissions (2):

Ambry Genetics
Classification: Uncertain significance for Inborn genetic diseases. Last evaluated: 2025-08-19. Review status: criteria provided, single submitter. Criteria: Ambry Variant Classification Scheme 2023. Collection method: clinical testing. Allele origin: germline.

Labcorp Genetics (formerly Invitae), Labcorp
Classification: Uncertain significance for Nemaline myopathy 2. Last evaluated: 2022-06-13. Review status: criteria provided, single submitter. Criteria: Invitae Variant Classification Sherloc (09022015). Collection method: clinical testing. Allele origin: germline.
Comment: This sequence change replaces serine, which is neutral and polar, with proline, which is neutral and non-polar, at codon 8429 of the NEB protein (p.Ser8429Pro). This variant is present in population databases (rs748186794, gnomAD 0.0009%). This variant has not been reported in the literature in individuals affected with NEB-related conditions. Algorithms developed to predict the effect of missense changes on protein structure and function are either unavailable or do not agree on the potential impact of this missense change (SIFT: "Deleterious"; PolyPhen-2: "Not Available"; Align-GVGD: "Class C0"). In summary, the available evidence is currently insufficient to determine the role of this variant in disease. Therefore, it has been classified as a Variant of Uncertain Significance.

NM_001164508.2(NEB):c.25180T>C (p.Ser8394Pro)

Genes: NEB (nebulin; minus strand), RIF1 (replication timing regulatory factor 1; plus strand). Cytogenetic location: 2q23.3.
Variant type: single nucleotide variant.
Coding change: c.25180T>C on transcript NM_001164508.2 (MANE Select); coding-DNA position 25180, T replaced by C.
Protein change: p.Ser8394Pro; replaces serine 8394 with proline.
Molecular consequence: missense variant.
Genome position (GRCh38, 1-based): chr2:151,490,489, A>G on the plus strand (T>C on the coding strand, the complement: NEB is on the minus strand). VCF-style: chr2-151490489-A-G. GRCh37 (hg19) VCF-style: chr2-152347003-A-G.
Other names: c.25180T>C, p.Ser8394Pro (NM_001164507.2); c.25285T>C, p.Ser8429Pro (NM_001271208.2); c.19612T>C, p.Ser6538Pro (NM_004543.5); c.19612T>C (NM_004543.4); short protein forms S6538P, S8394P, S8429P.
Identifiers: ClinVar variation 2141631 (VCV002141631.2), dbSNP rs748186794, ClinGen allele CA57660290.
Genomic context (GRCh38, chr2:151,490,489, plus strand): 5'-CTTCTGAATGCTCAGACTTCTCCTCACCCCCACTGATGCTTAGTGCACTGGCAGATCGTG[A>G]CTGCTCCCGGCTCCGGCGCTGAGCTTGGACTGGGAGAGATGCAGTTGGGGGAGATGTAGC-3'
Protein context (NP_001157980.2, residues 8384-8404): VQAQRRSREQ[Ser8394Pro]RSASALSISG